The following is an entry in ClinVar:

ClinVar aggregate classification (germline): Uncertain significance (1 of 4 stars; one submission).

gnomAD v4.1: 2 of 1,610,002 alleles (0.00012%); highest among the groups gnomAD compares: Non-Finnish European, 0.00017%; no homozygotes.

Submission:

Labcorp Genetics (formerly Invitae), Labcorp
Classification: Uncertain significance. Last evaluated: 2024-09-11. Review status: criteria provided, single submitter. Criteria: Invitae Variant Classification Sherloc (09022015). Collection method: clinical testing. Allele origin: germline.
Comment: This sequence change affects an acceptor splice site in intron 7 of the EFL1 gene. It is expected to disrupt RNA splicing. Variants that disrupt the donor or acceptor splice site typically lead to a loss of protein function (PMID: 16199547), however the current clinical and genetic evidence is not sufficient to establish whether loss-of-function variants in EFL1 cause disease. This variant is not present in population databases (gnomAD no frequency). This variant has not been reported in the literature in individuals affected with EFL1-related conditions. Algorithms developed to predict the effect of sequence changes on RNA splicing suggest that this variant may disrupt the consensus splice site. In summary, the available evidence is currently insufficient to determine the role of this variant in disease. Therefore, it has been classified as a Variant of Uncertain Significance.

Literature cited by the submitters: PubMed 16199547.

NM_024580.6(EFL1):c.732-2A>T

Gene: EFL1 (elongation factor like GTPase 1; minus strand). Cytogenetic location: 15q25.2.
Variant type: single nucleotide variant.
Coding change: c.732-2A>T on transcript NM_024580.6 (MANE Select); the canonical splice acceptor site of the intron before coding-DNA position 732, A replaced by T.
Molecular consequence: splice acceptor variant.
Genome position (GRCh38, 1-based): chr15:82,230,973, T>A on the plus strand (A>T on the coding strand, the complement: EFL1 is on the minus strand). VCF-style: chr15-82230973-T-A. GRCh37 (hg19) VCF-style: chr15-82523314-T-A.
Other names: c.579-2A>T (NM_001040610.3); c.-58-2A>T (NM_001322844.2); c.732-2A>T (NM_001322845.2).
Identifiers: ClinVar variation 3706835 (VCV003706835.2).
Genomic context (GRCh38, chr15:82,230,973, plus strand): 5'-TAAGAACTTCCTTTTTGATGCCAATTTTTTGACTGTAGATTCTGGCGAAGTGCTCAATTC[T>A]GAAAGAAGACCAAATGTTCATGTTATTAATAACAACGATTATTGATTTCTGTGACAGGTA-3'